The following is an entry in ClinVar:

NM_024675.4(PALB2):c.3350+3A>T

Gene: PALB2 (partner and localizer of BRCA2; minus strand). Cytogenetic location: 16p12.2.
Variant type: single nucleotide variant.
Coding change: c.3350+3A>T on transcript NM_024675.4 (MANE Select); 3 bases into the intron after coding-DNA position 3350, A replaced by T.
Molecular consequence: intron variant.
Genome position (GRCh38, 1-based): chr16:23,607,861, T>A on the plus strand (A>T on the coding strand, the complement: PALB2 is on the minus strand). VCF-style: chr16-23607861-T-A. GRCh37 (hg19) VCF-style: chr16-23619182-T-A.
Other names: c.2229-4192A>T (NM_001407308.1, NM_001407309.1); c.2465+3A>T (NM_001407306.1, NM_001407305.1, NM_001407304.1); c.884+3A>T (NM_001407314.1); c.1414-4192A>T (NM_001407313.1); c.1562+3A>T (NM_001407312.1); c.3290+3A>T (NM_001407296.1); c.3278+3A>T (NM_001407297.1); c.3040-4192A>T (NM_001407302.1); and 6 more.
Identifiers: ClinVar variation 4130312 (VCV004130312.1).

ClinVar aggregate classification (germline): Uncertain significance (1 of 4 stars; one submission).

Conditions:
Hereditary cancer-predisposing syndrome. Also called: Hereditary neoplastic syndrome; Neoplastic Syndromes, Hereditary; Tumor predisposition; Hereditary Cancer Syndrome. Identifiers: Orphanet 140162, MedGen C0027672, MeSH D009386, MONDO:0015356.

Submission:

Ambry Genetics
Classification: Uncertain significance for Hereditary cancer-predisposing syndrome. Last evaluated: 2025-06-23. Review status: criteria provided, single submitter. Criteria: Ambry Variant Classification Scheme 2023. Collection method: clinical testing. Allele origin: germline.
Comment: The c.3350+3A>T intronic variant results from an A to T substitution 3 nucleotides after coding exon 12 in the PALB2 gene. This nucleotide position is highly conserved in available vertebrate species. In silico splice site analysis for this alteration is inconclusive. Based on the available evidence, the clinical significance of this variant remains unclear.